The following is an entry in ClinVar:

NM_002470.4(MYH3):c.3039T>C (p.Ala1013=)

Gene: MYH3 (myosin heavy chain 3; minus strand). Cytogenetic location: 17p13.1.
Variant type: single nucleotide variant.
Coding change: c.3039T>C on transcript NM_002470.4 (MANE Select); coding-DNA position 3039, T replaced by C.
Protein change: p.Ala1013=; no amino-acid change (alanine 1013 retained).
Molecular consequence: synonymous variant.
Genome position (GRCh38, 1-based): chr17:10,639,361, A>G on the plus strand (T>C on the coding strand, the complement: MYH3 is on the minus strand). VCF-style: chr17-10639361-A-G. GRCh37 (hg19) VCF-style: chr17-10542678-A-G.
Identifiers: ClinVar variation 321744 (VCV000321744.13), dbSNP rs142131471, ClinGen allele CA8392634.
Genomic context (GRCh38, chr17:10,639,361, plus strand): 5'-TTCCACTTGCTGTTCCAGTTTGCTCTTGGTTTTGTTCAAAGAATTGACTTTGTCTTCTTC[A>G]GCTTGGAGGTCATCCAAGGCCTGCTGGTGCGCCTCTTGGAGGGCCTTCTTCTCTCTGGTT-3'
Protein context (NP_002461.2, residues 1003-1023): AHQQALDDLQ[Ala1013=]EEDKVNSLNK

ClinVar aggregate classification (germline): Benign/Likely benign. Review status: criteria provided, multiple submitters, no conflicts (2 of 4 stars). 4 submissions from 3 submitters: Benign (2); Likely benign (2). Last evaluated 2025-07-22.

Conditions:
Distal arthrogryposis type 2B1 (DA2B1). Also called: Arthrogryposis multiplex congenita distal type II with craniofacial abnormalities. Identifiers: Orphanet 1147, MedGen C5193014, MONDO:0020820, OMIM 601680.
Freeman-Sheldon syndrome (DA2A). Also called: CRANIOCARPOTARSAL DYSPLASIA; CRANIOCARPOTARSAL DYSTROPHY; WHISTLING FACE-WINDMILL VANE HAND SYNDROME; Arthrogryposis, distal, type 2A (Freeman-Sheldon). Identifiers: Orphanet 2053, MedGen C0265224, MONDO:0008675, OMIM 193700.

Allele frequency attached by ClinVar (database versions not stated): gnomAD 0.00006 and 0.00017; TOPMed 0.00010; gnomAD exomes 0.00023 and 0.00036; ExAC 0.00037; 1000 Genomes Project 30x 0.00125; 1000 Genomes Project 0.00140.

Submissions (4):

Labcorp Genetics (formerly Invitae), Labcorp
Classification: Benign. Last evaluated: 2025-07-22. Review status: criteria provided, single submitter. Criteria: Invitae Variant Classification Sherloc (09022015). Collection method: clinical testing. Allele origin: germline.

Blueprint Genetics
Classification: Likely benign. Last evaluated: 2024-02-21. Review status: criteria provided, single submitter. Criteria: ACMG Guidelines, 2015. Collection method: clinical testing. Allele origin: germline.

Illumina Laboratory Services, Illumina
Classification: Likely benign for Distal arthrogryposis type 2B1. Last evaluated: 2018-01-12. Review status: criteria provided, single submitter. Criteria: ICSL Variant Classification Criteria 13 December 2019. Collection method: clinical testing. Allele origin: germline.
Comment: This variant was observed in the ICSL laboratory as part of a predisposition screen in an ostensibly healthy population. It had not been previously curated by ICSL or reported in the Human Gene Mutation Database (HGMD: prior to June 1st, 2018), and was therefore a candidate for classification through an automated scoring system. Utilizing variant allele frequency, disease prevalence and penetrance estimates, and inheritance mode, an automated score was calculated to assess if this variant is too frequent to cause the disease. Based on the score and internal cut-off values, a variant classified as likely benign is not then subjected to further curation. The score for this variant resulted in a classification of likely benign for this disease.

Illumina Laboratory Services, Illumina
Classification: Benign for Freeman-Sheldon syndrome. Last evaluated: 2018-01-12. Review status: criteria provided, single submitter. Criteria: ICSL Variant Classification Criteria 13 December 2019. Collection method: clinical testing. Allele origin: germline.
Comment: This variant was observed in the ICSL laboratory as part of a predisposition screen in an ostensibly healthy population. It had not been previously curated by ICSL or reported in the Human Gene Mutation Database (HGMD: prior to June 1st, 2018), and was therefore a candidate for classification through an automated scoring system. Utilizing variant allele frequency, disease prevalence and penetrance estimates, and inheritance mode, an automated score was calculated to assess if this variant is too frequent to cause the disease. Based on the score and internal cut-off values, a variant classified as benign is not then subjected to further curation. The score for this variant resulted in a classification of benign for this disease.